The following is an entry in ClinVar:

NM_020765.3(UBR4):c.15369C>T (p.Leu5123=)

Gene: UBR4 (ubiquitin protein ligase E3 component n-recognin 4; minus strand). Cytogenetic location: 1p36.13.
Variant type: single nucleotide variant.
Coding change: c.15369C>T on transcript NM_020765.3 (MANE Select); coding-DNA position 15369, C replaced by T.
Protein change: p.Leu5123=; no amino-acid change (leucine 5123 retained).
Molecular consequence: synonymous variant.
Genome position (GRCh38, 1-based): chr1:19,076,858, G>A on the plus strand (C>T on the coding strand, the complement: UBR4 is on the minus strand). VCF-style: chr1-19076858-G-A. GRCh37 (hg19) VCF-style: chr1-19403352-G-A.
Identifiers: ClinVar variation 3038747 (VCV003038747.2), dbSNP rs150757996, ClinGen allele CA647847.
Genomic context (GRCh38, chr1:19,076,858, plus strand): 5'-TTTCAGGGCTTTGTCGGCAGCTTCGTAGATGGGCATGTCGTTGTGGCGGATGTACTCAGC[G>A]AGAGAGCAGGACCAGCCTCCCTCTGTGTTACTGGTAGGCACCTTCTACGAGAATCAACAG-3'
Protein context (NP_065816.2, residues 5113-5133): SNTEGGWSCS[Leu5123=]AEYIRHNDMP

ClinVar aggregate classification (germline): Benign (0 of 4 stars; one submission).

Conditions:
UBR4-related disorder. Also called: UBR4-related condition.

Allele frequency attached by ClinVar (database versions not stated): gnomAD exomes 0.00039; ExAC 0.00127; gnomAD 0.00405; ESP Exome Variant Server 0.00423; 1000 Genomes Project 0.00459; 1000 Genomes Project 30x 0.00468; TOPMed 0.00498.
gnomAD v4.1: 1,211 of 1,608,158 alleles (0.075%); highest among the groups gnomAD compares: African/African-American, 1.4%; 7 homozygotes.

Submission:

PreventionGenetics, part of Exact Sciences
Classification: Benign for UBR4-related condition. Last evaluated: 2020-01-29. Review status: no assertion criteria provided. Collection method: clinical testing. Allele origin: germline.
Comment: This variant is classified as benign based on ACMG/AMP sequence variant interpretation guidelines (Richards et al. 2015 PMID: 25741868, with internal and published modifications).